The following is an entry in ClinVar:

NM_000982.4(RPL21):c.382C>A (p.Leu128Ile)

Gene: RPL21 (ribosomal protein L21; plus strand). Cytogenetic location: 13q12.2.
Variant type: single nucleotide variant.
Coding change: c.382C>A on transcript NM_000982.4 (MANE Select); coding-DNA position 382, C replaced by A.
Protein change: p.Leu128Ile; replaces leucine 128 with isoleucine.
Molecular consequence: missense variant.
Genome position (GRCh38, 1-based): chr13:27,256,323, C>A. VCF-style: chr13-27256323-C-A. GRCh37 (hg19) VCF-style: chr13-27830460-C-A.
Other names: short protein forms L128I.
Identifiers: ClinVar variation 2954969 (VCV002954969.3), dbSNP rs777599973, ClinGen allele CA6925874.

ClinVar aggregate classification (germline): Uncertain significance (1 of 4 stars; one submission).

Allele frequency attached by ClinVar (database versions not stated): gnomAD 0.00001; ExAC 0.00002.
gnomAD v4.1: 26 of 1,610,562 alleles (0.0016%); highest among the groups gnomAD compares: Non-Finnish European, 0.002%; no homozygotes.

Submission:

Labcorp Genetics (formerly Invitae), Labcorp
Classification: Uncertain significance. Last evaluated: 2023-10-05. Review status: criteria provided, single submitter. Criteria: Invitae Variant Classification Sherloc (09022015). Collection method: clinical testing. Allele origin: germline.
Comment: This sequence change replaces leucine, which is neutral and non-polar, with isoleucine, which is neutral and non-polar, at codon 128 of the RPL21 protein (p.Leu128Ile). This variant is present in population databases (rs777599973, gnomAD 0.004%). This variant has not been reported in the literature in individuals affected with RPL21-related conditions. An algorithm developed to predict the effect of missense changes on protein structure and function (PolyPhen-2) suggests that this variant is likely to be tolerated. In summary, the available evidence is currently insufficient to determine the role of this variant in disease. Therefore, it has been classified as a Variant of Uncertain Significance.